The following is an entry in ClinVar:

NM_000388.4(CASR):c.1668G>C (p.Glu556Asp)

Gene: CASR (calcium sensing receptor; plus strand). Cytogenetic location: 3q21.1.
Variant type: single nucleotide variant.
Coding change: c.1668G>C on transcript NM_000388.4 (MANE Select); coding-DNA position 1668, G replaced by C.
Protein change: p.Glu556Asp; replaces glutamic acid 556 with aspartic acid.
Molecular consequence: missense variant.
Genome position (GRCh38, 1-based): chr3:122,282,172, G>C. VCF-style: chr3-122282172-G-C. GRCh37 (hg19) VCF-style: chr3-122001019-G-C.
Other names: c.1698G>C, p.Glu566Asp (NM_001178065.2); short protein forms E566D, E556D.
Identifiers: ClinVar variation 1437562 (VCV001437562.8), dbSNP rs186279271, ClinGen allele CA82747988.

ClinVar aggregate classification (germline): Uncertain significance. Review status: criteria provided, multiple submitters, no conflicts (2 of 4 stars). 2 submissions from 2 submitters: Uncertain significance (2). Last evaluated 2022-10-14.

Conditions:
Nephrolithiasis/nephrocalcinosis. Identifiers: MedGen CN580796.
Familial hypocalciuric hypercalcemia (FHH). Also called: Familial benign hypercalcemia. Identifiers: Orphanet 405, MedGen C1809471, MONDO:0018458.
Autosomal dominant hypocalcemia 1 (HYPOC1). Also called: HYPOCALCEMIA, FAMILIAL. Identifiers: MedGen C3715128, MONDO:0011013, OMIM 601198.

gnomAD v4.1: 3 of 1,614,168 alleles (0.00019%); highest among the groups gnomAD compares: Non-Finnish European, 0.00025%; no homozygotes.

Submissions (2):

Labcorp Genetics (formerly Invitae), Labcorp
Classification: Uncertain significance for Familial hypocalciuric hypercalcemia; Autosomal dominant hypocalcemia 1. Last evaluated: 2022-10-14. Review status: criteria provided, single submitter. Criteria: Invitae Variant Classification Sherloc (09022015). Collection method: clinical testing. Allele origin: germline.
Comment: ClinVar contains an entry for this variant (Variation ID: 1437562). In summary, the available evidence is currently insufficient to determine the role of this variant in disease. Therefore, it has been classified as a Variant of Uncertain Significance. Algorithms developed to predict the effect of missense changes on protein structure and function (SIFT, PolyPhen-2, Align-GVGD) all suggest that this variant is likely to be tolerated. This variant has not been reported in the literature in individuals affected with CASR-related conditions. This variant is not present in population databases (gnomAD no frequency). This sequence change replaces glutamic acid, which is acidic and polar, with aspartic acid, which is acidic and polar, at codon 556 of the CASR protein (p.Glu556Asp).

Ambry Genetics
Classification: Uncertain significance for Nephrolithiasis/nephrocalcinosis. Last evaluated: 2022-03-31. Review status: criteria provided, single submitter. Criteria: Ambry Variant Classification Scheme 2023. Collection method: clinical testing. Allele origin: germline.
Comment: The p.E556D variant (also known as c.1668G>C), located in coding exon 5 of the CASR gene, results from a G to C substitution at nucleotide position 1668. The glutamic acid at codon 556 is replaced by aspartic acid, an amino acid with highly similar properties. This amino acid position is conserved. In addition, this alteration is predicted to be tolerated by in silico analysis. Since supporting evidence is limited at this time, the clinical significance of this alteration remains unclear.